The following is an entry in ClinVar:

NM_002047.4(GARS1):c.1297A>C (p.Met433Leu)

Gene: GARS1 (glycyl-tRNA synthetase 1; plus strand). Cytogenetic location: 7p14.3.
Variant type: single nucleotide variant.
Coding change: c.1297A>C on transcript NM_002047.4 (MANE Select); coding-DNA position 1297, A replaced by C.
Protein change: p.Met433Leu; replaces methionine 433 with leucine.
Molecular consequence: missense variant.
Genome position (GRCh38, 1-based): chr7:30,617,216, A>C. VCF-style: chr7-30617216-A-C. GRCh37 (hg19) VCF-style: chr7-30656832-A-C.
Other names: c.1135A>C, p.Met379Leu (NM_001316772.1); short protein forms M379L, M433L.
Identifiers: ClinVar variation 3633369 (VCV003633369.2).

ClinVar aggregate classification (germline): Uncertain significance (1 of 4 stars; one submission).

Conditions:
Charcot-Marie-Tooth disease type 2. Also called: Charcot-Marie-Tooth type 2. Identifiers: Orphanet 64746, MedGen C0270914, MONDO:0018993.

Submission:

Labcorp Genetics (formerly Invitae), Labcorp
Classification: Uncertain significance for Charcot-Marie-Tooth disease type 2. Last evaluated: 2024-08-07. Review status: criteria provided, single submitter. Criteria: Invitae Variant Classification Sherloc (09022015). Collection method: clinical testing. Allele origin: germline.
Comment: This sequence change replaces methionine, which is neutral and non-polar, with leucine, which is neutral and non-polar, at codon 433 of the GARS protein (p.Met433Leu). This variant is not present in population databases (gnomAD no frequency). This variant has not been reported in the literature in individuals affected with GARS-related conditions. Advanced modeling of protein sequence and biophysical properties (such as structural, functional, and spatial information, amino acid conservation, physicochemical variation, residue mobility, and thermodynamic stability) performed at Invitae indicates that this missense variant is not expected to disrupt GARS protein function with a negative predictive value of 95%. In summary, the available evidence is currently insufficient to determine the role of this variant in disease. Therefore, it has been classified as a Variant of Uncertain Significance.